The following is an entry in ClinVar:

ClinVar aggregate classification (germline): Uncertain significance (1 of 4 stars; one submission).

Allele frequency attached by ClinVar (database versions not stated): gnomAD exomes below 0.00001 and 0.00001; gnomAD 0.00001; ExAC 0.00002; TOPMed 0.00002; ESP Exome Variant Server 0.00008.
gnomAD v4.1: 7 of 1,605,838 alleles (0.00044%); highest among the groups gnomAD compares: Admixed American, 0.0017%; no homozygotes.

Submission:

Labcorp Genetics (formerly Invitae), Labcorp
Classification: Uncertain significance. Last evaluated: 2022-03-07. Review status: criteria provided, single submitter. Criteria: Invitae Variant Classification Sherloc (09022015). Collection method: clinical testing. Allele origin: germline.
Comment: This sequence change replaces arginine, which is basic and polar, with tryptophan, which is neutral and slightly polar, at codon 412 of the CDCA7 protein (p.Arg412Trp). This variant is present in population databases (rs142891986, gnomAD 0.004%). This variant has not been reported in the literature in individuals affected with CDCA7-related conditions. Algorithms developed to predict the effect of missense changes on protein structure and function (SIFT, PolyPhen-2, Align-GVGD) all suggest that this variant is likely to be disruptive. In summary, the available evidence is currently insufficient to determine the role of this variant in disease. Therefore, it has been classified as a Variant of Uncertain Significance.

NM_031942.5(CDCA7):c.1234C>T (p.Arg412Trp)

Gene: CDCA7 (cell division cycle associated 7; plus strand). Cytogenetic location: 2q31.1.
Variant type: single nucleotide variant.
Coding change: c.1234C>T on transcript NM_031942.5 (MANE Select); coding-DNA position 1234, C replaced by T.
Protein change: p.Arg412Trp; replaces arginine 412 with tryptophan.
Molecular consequence: missense variant.
Genome position (GRCh38, 1-based): chr2:173,367,198, C>T. VCF-style: chr2-173367198-C-T. GRCh37 (hg19) VCF-style: chr2-174231926-C-T.
Other names: c.997C>T, p.Arg333Trp (NM_145810.3); short protein forms R333W, R412W.
Identifiers: ClinVar variation 1509745 (VCV001509745.7), dbSNP rs142891986, ClinGen allele CA1971471.
Genomic context (GRCh38, chr2:173,367,198, plus strand): 5'-ATCCTCCTTCAGAACTGGCATTGCCCGCCTTGTCGAGGAATCTGCAACTGCAGTTTCTGC[C>T]GGCAGCGAGATGGACGGTGTGCGACTGGGGTCCTTGTGTATTTAGCCAAATATCATGGCT-3'
Protein context (NP_114148.3, residues 402-422): CRGICNCSFC[Arg412Trp]QRDGRCATGV